The following is an entry in ClinVar:

ClinVar aggregate classification (germline): Likely benign (0 of 4 stars; one submission).

Conditions:
INO80-related disorder. Also called: INO80-related condition.

Submission:

PreventionGenetics, part of Exact Sciences
Classification: Likely benign for INO80-related condition. Last evaluated: 2019-06-12. Review status: no assertion criteria provided. Collection method: clinical testing. Allele origin: germline.
Comment: This variant is classified as likely benign based on ACMG/AMP sequence variant interpretation guidelines (Richards et al. 2015 PMID: 25741868, with internal and published modifications).

NM_017553.3(INO80):c.1396-8C>A

Gene: INO80 (INO80 complex ATPase subunit; minus strand). Cytogenetic location: 15q15.1.
Variant type: single nucleotide variant.
Coding change: c.1396-8C>A on transcript NM_017553.3 (MANE Select); 8 bases into the intron before coding-DNA position 1396, C replaced by A.
Molecular consequence: intron variant.
Genome position (GRCh38, 1-based): chr15:41,072,066, G>T on the plus strand (C>A on the coding strand, the complement: INO80 is on the minus strand). VCF-style: chr15-41072066-G-T. GRCh37 (hg19) VCF-style: chr15-41364264-G-T.
Identifiers: ClinVar variation 3033113 (VCV003033113.2), dbSNP rs765141721, ClinGen allele CA969010679.